The following is an entry in ClinVar:

ClinVar aggregate classification (germline): Conflicting classifications of pathogenicity. Review status: criteria provided, conflicting classifications (1 of 4 stars). 7 submissions from 7 submitters: Uncertain significance (5); Likely benign (2). Last evaluated 2026-01-25.

Conditions:
Classic or attenuated familial adenomatous polyposis. Identifiers: MedGen CN372698, MONDO:0021057.
APC-related disorder. Also called: APC-related condition.
Hereditary cancer-predisposing syndrome. Also called: Neoplastic Syndromes, Hereditary; Tumor predisposition; Hereditary Cancer Syndrome; Hereditary neoplastic syndrome. Identifiers: Orphanet 140162, MedGen C0027672, MeSH D009386, MONDO:0015356.
Familial adenomatous polyposis 1 (FAP1). Also called: FAMILIAL ADENOMATOUS POLYPOSIS 1, ATTENUATED; POLYPOSIS, ADENOMATOUS INTESTINAL. Identifiers: MedGen C2713442, MONDO:0021056, OMIM 175100. Disease mechanism: loss of function.

Allele frequency attached by ClinVar (database versions not stated): gnomAD exomes below 0.00001 and 0.00002; ExAC 0.00001; gnomAD 0.00001; TOPMed 0.00001.
gnomAD v4.1: 33 of 1,613,734 alleles (0.002%); highest among the groups gnomAD compares: Non-Finnish European, 0.0028%; no homozygotes.

Submissions (7):

PreventionGenetics, part of Exact Sciences
Classification: Uncertain significance for APC-related condition. Last evaluated: 2026-01-25. Review status: criteria provided, single submitter. Criteria: ACMG Guidelines, 2015. Collection method: clinical testing. Allele origin: germline.
Comment: The APC c.5337A>G variant is predicted to result in the amino acid substitution p.Ile1779Met. To our knowledge, this variant has not been reported in the literature. This variant is reported in 0.00088% of alleles in individuals of European (Non-Finnish) descent in gnomAD and has conflicting interpretations in ClinVar ranging from likely benign to uncertain (Variation ID: 411404). At this time, the clinical significance of this variant is uncertain due to the absence of conclusive functional and genetic evidence.

Labcorp Genetics (formerly Invitae), Labcorp
Classification: Uncertain significance for Familial adenomatous polyposis 1. Last evaluated: 2025-12-03. Review status: criteria provided, single submitter. Criteria: Invitae Variant Classification Sherloc (09022015). Collection method: clinical testing. Allele origin: germline.
Comment: This sequence change replaces isoleucine, which is neutral and non-polar, with methionine, which is neutral and non-polar, at codon 1779 of the APC protein (p.Ile1779Met). This variant is present in population databases (rs748063409, gnomAD 0.0009%). This variant has not been reported in the literature in individuals affected with APC-related conditions. ClinVar contains an entry for this variant (Variation ID: 411404). Invitae Evidence Modeling of protein sequence and biophysical properties (such as structural, functional, and spatial information, amino acid conservation, physicochemical variation, residue mobility, and thermodynamic stability) indicates that this missense variant is not expected to disrupt APC protein function with a negative predictive value of 95%. In summary, the available evidence is currently insufficient to determine the role of this variant in disease. Therefore, it has been classified as a Variant of Uncertain Significance.

Color Diagnostics, LLC DBA Color Health
Classification: Likely benign for Hereditary cancer-predisposing syndrome. Last evaluated: 2025-05-21. Review status: criteria provided, single submitter. Criteria: ACMG Guidelines, 2015. Collection method: clinical testing. Allele origin: germline.

Quest Diagnostics Nichols Institute San Juan Capistrano
Classification: Uncertain significance. Last evaluated: 2023-05-19. Review status: criteria provided, single submitter. Criteria: Quest Diagnostics criteria. Collection method: clinical testing. Allele origin: unknown.
Comment: To the best of our knowledge, this variant has not been reported in the published literature. The frequency of this variant in the general population, 0.000004 (1/250626 chromosomes (Genome Aggregation Database)), is uninformative in the assessment of its pathogenicity. Analysis of this variant using bioinformatics tools for the prediction of the effect of amino acid changes on protein structure and function yielded predictions that this variant is benign. Based on the available information, we are unable to determine the clinical significance of this variant.

All of Us Research Program, National Institutes of Health
Classification: Uncertain significance for Classic or attenuated familial adenomatous polyposis. Last evaluated: 2023-04-28. Review status: criteria provided, single submitter. Criteria: ACMG Guidelines, 2015. Collection method: clinical testing. Allele origin: germline. Inheritance: Autosomal dominant inheritance. Observed: 1 variant allele, 1 heterozygote.
Comment: This missense variant replaces isoleucine with methionine at codon 1779 of the APC protein. Computational prediction suggests that this variant may not impact protein structure and function (internally defined REVEL score threshold <= 0.5, PMID: 27666373). To our knowledge, functional studies have not been reported for this variant. This variant has not been reported in individuals affected with APC-related disorders in the literature. This variant has been identified in 1/250626 chromosomes in the general population by the Genome Aggregation Database (gnomAD). The available evidence is insufficient to determine the role of this variant in disease conclusively. Therefore, this variant is classified as a Variant of Uncertain Significance.

This study involves interpretation of variants in research participants for the purpose of population health screening. Participant phenotype was not available at the time of variant classification. Additional details can be found in publication PMID: 35346344, PMCID: PMC8962531

GeneDx
Classification: Uncertain significance. Last evaluated: 2022-02-03. Review status: criteria provided, single submitter. Criteria: GeneDx Variant Classification Process June 2021. Collection method: clinical testing. Allele origin: germline. Affected: yes.
Comment: Not observed at significant frequency in large population cohorts (gnomAD); Has not been previously published as pathogenic or benign to our knowledge; This variant is associated with the following publications: (PMID: 23856246, 24755471, 18199528)

Ambry Genetics
Classification: Likely benign for Hereditary cancer-predisposing syndrome. Last evaluated: 2016-09-06. Review status: criteria provided, single submitter. Criteria: Ambry Variant Classification Scheme 2023. Collection method: clinical testing. Allele origin: germline.

NM_000038.6(APC):c.5337A>G (p.Ile1779Met)

Gene: APC (APC regulator of Wnt signaling pathway; plus strand). Cytogenetic location: 5q22.2.
Variant type: single nucleotide variant.
Coding change: c.5337A>G on transcript NM_000038.6 (MANE Select); coding-DNA position 5337, A replaced by G.
Protein change: p.Ile1779Met; replaces isoleucine 1779 with methionine.
Molecular consequence: missense variant.
Genome position (GRCh38, 1-based): chr5:112,840,931, A>G. VCF-style: chr5-112840931-A-G. GRCh37 (hg19) VCF-style: chr5-112176628-A-G.
Other names: c.5337A>G, p.Ile1779Met (NM_001127510.3, NM_001354895.2); c.5283A>G, p.Ile1761Met (NM_001127511.3); c.5391A>G, p.Ile1797Met (NM_001354896.2); c.5367A>G, p.Ile1789Met (NM_001354897.2); c.5262A>G, p.Ile1754Met (NM_001354898.2); c.5253A>G, p.Ile1751Met (NM_001354899.2); c.5214A>G, p.Ile1738Met (NM_001354900.2); c.5160A>G, p.Ile1720Met (NM_001354901.2); and 5 more; short protein forms I1779M, I1761M, I1738M, I1751M, I1496M, I1678M, I1720M, I1754M.
Identifiers: ClinVar variation 411404 (VCV000411404.25), dbSNP rs748063409, ClinGen allele CA041612.